The following is an entry in ClinVar:

ClinVar aggregate classification (germline): Benign. Review status: criteria provided, multiple submitters, no conflicts (2 of 4 stars). 5 submissions from 5 submitters: Benign (4). 1 of the submissions does not count toward it. Last evaluated 2026-01-31.

Conditions:
Inborn genetic diseases. Identifiers: MedGen C0950123, MeSH D030342.
Coffin-Siris syndrome 1 (CSS1). Also called: Mental retardation, autosomal dominant 12; ARID1B-Related Coffin-Siris Syndrome. Identifiers: Orphanet 1465, MedGen C3281201, MONDO:0007617, OMIM 135900. Disease mechanism: gain of function.

Allele frequency attached by ClinVar (database versions not stated): gnomAD exomes 0.00363; ExAC 0.00457; gnomAD 0.01415 and 0.01518; ESP Exome Variant Server 0.01477; TOPMed 0.01600; 1000 Genomes Project 0.01797; 1000 Genomes Project 30x 0.01936.

Submissions (5):

Labcorp Genetics (formerly Invitae), Labcorp
Classification: Benign. Last evaluated: 2026-01-31. Review status: criteria provided, single submitter. Criteria: Invitae Variant Classification Sherloc (09022015). Collection method: clinical testing. Allele origin: germline.

Genome-Nilou Lab
Classification: Benign for Coffin-Siris syndrome 1. Last evaluated: 2021-07-15. Review status: criteria provided, single submitter. Criteria: ACMG Guidelines, 2015. Collection method: clinical testing. Allele origin: germline. Affected: no.

GeneDx
Classification: Benign. Last evaluated: 2018-10-10. Review status: criteria provided, single submitter. Criteria: GeneDx Variant Classification Process June 2021. Collection method: clinical testing. Allele origin: germline. Affected: yes.

Ambry Genetics
Classification: Benign for Inborn genetic diseases. Last evaluated: 2016-03-13. Review status: criteria provided, single submitter. Criteria: Ambry Variant Classification Scheme 2023. Collection method: clinical testing. Allele origin: germline.

Genetic Services Laboratory, University of Chicago
Classification: Likely benign for AllHighlyPenetrant. Review status: no assertion criteria provided. Collection method: clinical testing. Allele origin: germline. Inheritance: Autosomal dominant inheritance. Observed: 4 variant alleles. Not counted in ClinVar's aggregate classification.
Comment: Likely benign based on allele frequency in 1000 Genomes Project or ESP global frequency and its presence in a patient with a rare or unrelated disease phenotype. NOT Sanger confirmed.

NM_001374828.1(ARID1B):c.4864A>T (p.Met1622Leu)

Gene: ARID1B (AT-rich interaction domain 1B; plus strand). Cytogenetic location: 6q25.3.
Variant type: single nucleotide variant.
Coding change: c.4864A>T on transcript NM_001374828.1 (MANE Select); coding-DNA position 4864, A replaced by T.
Protein change: p.Met1622Leu; replaces methionine 1622 with leucine.
Molecular consequence: missense variant.
Genome position (GRCh38, 1-based): chr6:157,201,089, A>T. VCF-style: chr6-157201089-A-T. GRCh37 (hg19) VCF-style: chr6-157522223-A-T.
Other names: c.4495A>T, p.Met1499Leu (NM_020732.3); c.2365A>T, p.Met789Leu (NM_001363725.2); c.4744A>T, p.Met1582Leu (NM_001371656.1, NM_001374820.1); c.4705A>T, p.Met1569Leu (NM_017519.3); short protein forms M1499L, M789L, M1569L, M1582L, M1622L.
Identifiers: ClinVar variation 126333 (VCV000126333.23), dbSNP rs34870395, ClinGen allele CA151062.